The following is an entry in ClinVar:

ClinVar aggregate classification (germline): Conflicting classifications of pathogenicity. Review status: criteria provided, conflicting classifications (1 of 4 stars). 13 submissions from 13 submitters: Pathogenic (5); Likely pathogenic (5); Uncertain significance (2). 1 of the submissions does not count toward it. Last evaluated 2026-07-08.

Conditions:
Hematuria, benign familial, 1 (BFH1). Also called: THIN MEMBRANE NEPHROPATHY. Identifiers: MedGen CN376803, MONDO:0007709, OMIM 141200.
COL4A4-related disorder.
Autosomal recessive Alport syndrome (ATS2). Also called: ALPORT SYNDROME 2, AUTOSOMAL RECESSIVE; COL4A3-Related Nephropathy; COL4A4 Alport Syndrome and Thin Basement Membrane Nephropathy; Alport syndrome type 2. Identifiers: Orphanet 63, Orphanet 88919, MedGen C4746745, MONDO:0008762, OMIM 203780.
Hematuria. Identifiers: MedGen C0018965, HP:0000790.
Alport syndrome. Also called: Hemorrhagic familial nephritis; Hemorrhagic hereditary nephritis; Congenital hereditary hematuria. Identifiers: Orphanet 63, MedGen C1567741, MONDO:0018965.
Autosomal dominant Alport syndrome (ATS3A). Also called: Alport syndrome dominant type; Renal failure and sensorineural hearing loss; ALPORT SYNDROME 3A, AUTOSOMAL DOMINANT. Identifiers: Orphanet 63, Orphanet 88918, MedGen C5882663, MONDO:0007086, OMIM 104200.

Allele frequency attached by ClinVar (database versions not stated): gnomAD 0.00001; gnomAD exomes 0.00001 and 0.00002; ExAC 0.00002; TOPMed 0.00002; 1000 Genomes Project 30x 0.00016; 1000 Genomes Project 0.00020.
gnomAD v4.1: 13 of 1,613,412 alleles (0.00081%); highest among the groups gnomAD compares: Admixed American, 0.0017%; no homozygotes.

Submissions (13):

Genetics Laboratory, Great Ormond Street Hospital NHS Foundation Trust, North Thames Genomic Laboratory Hub
Classification: Likely pathogenic for Haematuria. Last evaluated: 2026-07-08. Review status: criteria provided, single submitter. Criteria: ACGS Best Practice Guidelines for Variant Classification in Rare Disease 2024 v1.2. Collection method: clinical testing. Allele origin: germline. Affected: yes.
Comment: PS4_moderate, PM2_supporting, PP3_supporting, PM1_strong, PP4_supporting

Labcorp Genetics (formerly Invitae), Labcorp
Classification: Pathogenic. Last evaluated: 2025-12-16. Review status: criteria provided, single submitter. Criteria: Invitae Variant Classification Sherloc (09022015). Collection method: clinical testing. Allele origin: germline.
Comment: This sequence change replaces glycine, which is neutral and non-polar, with arginine, which is basic and polar, at codon 466 of the COL4A4 protein (p.Gly466Arg). This variant is present in population databases (rs201859109, gnomAD 0.007%). This missense change has been observed in individuals with autosomal dominant COL4A4-related conditions (PMID: 26809805, 29801666, 36938085, 38978054; internal data). It has also been observed to segregate with disease in related individuals. ClinVar contains an entry for this variant (Variation ID: 447180). Invitae Evidence Modeling of protein sequence and biophysical properties (such as structural, functional, and spatial information, amino acid conservation, physicochemical variation, residue mobility, and thermodynamic stability) has been performed for this missense variant. However, the output from this modeling did not meet the statistical confidence thresholds required to predict the impact of this variant on COL4A4 protein function. Algorithms developed to predict the effect of sequence changes on RNA splicing suggest that this variant may disrupt the consensus splice site. For these reasons, this variant has been classified as Pathogenic.

Natera, Inc.
Classification: Pathogenic for Alport syndrome. Last evaluated: 2025-09-09. Review status: criteria provided, single submitter. Criteria: Natera Variant Classification Schema (03/2026). Collection method: clinical testing. Allele origin: germline.
Comment: The c.1396G>A variant in COL4A4 is a missense variant predicted to cause substitution of glycine to arginine at amino acid 466. This variant is rare in the general population with a frequency below the threshold expected for the associated phenotype(s). This variant has been observed in one or more individuals affected with the associated recessive disease, as either homozygous or compound heterozygous with a second variant (PMID: 36130833, 40004525). This variant has been observed in affected individual(s) with monoallelic occurrence (heterozygous/hemizygous) (PMID: 26809805, 33838161, 38978054, 39810285). Additionally, this variant has been observed to segregate in affected family members (PMID: 33838161, 38978054). This variant is located in a functionally critical region of the protein. Computational prediction algorithms indicate this variant is likely to affect gene or protein function. Given the available evidence, this variant is classified as Pathogenic.

Victorian Clinical Genetics Services, Murdoch Childrens Research Institute
Classification: Pathogenic for Alport syndrome. Last evaluated: 2025-05-19. Review status: criteria provided, single submitter. Criteria: ACMG Guidelines, 2015. Collection method: clinical testing. Allele origin: germline. Affected: yes.
Comment: This variant is classified as Pathogenic. Evidence in support of pathogenic classification: Variant is present in gnomAD <0.01 (v4: 13 heterozygote(s), 0 homozygote(s)) ; This variant has strong previous evidence of pathogenicity in unrelated individuals. It has been reported in at least one individual with thin basement membrane nephropathy and at least one individual with Alport syndrome (PMIDs: 26809805, 29801666). In addition, it has been classified as pathogenic by multiple clinical laboratories (ClinVar); Variant is located in the well-established functional Gly-X-Y motif (DECIPHER); Missense variant predicted to be damaging by in silico tool(s) or highly conserved with a major amino acid change. Additional information: Variant is predicted to result in a missense amino acid change from glycine to arginine; This variant is heterozygous; This gene is associated with both recessive and dominant disease. Alport syndrome typically has biallelic inheritance, although rare cases of monoallelic inheritance have been reported (PMID: 28704582). Thin basement membrane nephropathy (TBMN) and focal segmental glomerulosclerosis (FSGS) are associated with autosomal dominant inhertitance (OMIM, PMID: 16467446; 17942953); Loss of function is a known mechanism of disease for this gene and is associated with Alport syndrome. Dominant negative is a suspected mechanism of disease for this gene as it is a structural protein (PMIDs: 12028435, 24046192). (I) - Inheritance information for this variant is not currently available in this individual.

3billion
Classification: Likely pathogenic for Autosomal recessive Alport syndrome. Last evaluated: 2025-02-10. Review status: criteria provided, single submitter. Criteria: ACMG Guidelines, 2015. Collection method: clinical testing. Allele origin: germline. Affected: yes.
Comment: The variant is observed at an extremely low frequency in the gnomAD v4.1.0 dataset (total allele frequency: <0.001%). Predicted Consequence/Location: Missense variant In silico tool predictions suggest damaging effect of the variant on gene or gene product [REVEL: 0.85 (>=0.6, sensitivity 0.68 and specificity 0.92); 3Cnet: 0.94 (>=0.6, sensitivity 0.72 and precision 0.9)]. The same nucleotide change resulting in the same amino acid change has been previously reported as pathogenic/likely pathogenic with strong evidence (ClinVar ID: VCV000447180 /PMID: 26809805). Therefore, this variant is classified as Likely pathogenic according to the recommendation of ACMG/AMP guideline.

GeneDx
Classification: Uncertain significance. Last evaluated: 2025-02-05. Review status: criteria provided, single submitter. Criteria: GeneDx Variant Classification Process June 2021. Collection method: clinical testing. Allele origin: germline. Affected: yes.
Comment: In silico analysis supports that this missense variant has a deleterious effect on protein structure/function; In silico analysis is inconclusive as to whether the variant alters gene splicing. In the absence of RNA/functional studies, the actual effect of this sequence change is unknown.; This variant is associated with the following publications: (PMID: 36130833, 36938085, 29801666, 26809805)

Blueprint Genetics
Classification: Likely pathogenic for COL4A4-related disorders. Last evaluated: 2024-07-22. Review status: criteria provided, single submitter. Criteria: ACMG Guidelines, 2015. Collection method: clinical testing. Allele origin: germline. Affected: yes. Observed: 1 variant allele.

Fulgent Genetics
Classification: Pathogenic for Hematuria, benign familial, 1; Autosomal recessive Alport syndrome. Last evaluated: 2024-06-17. Review status: criteria provided, single submitter. Criteria: ACMG Guidelines, 2015. Collection method: clinical testing. Allele origin: germline.

Department of Nephrology, Rheumatology and Immunology, Shanghai Children's Hospital
Classification: Uncertain significance for Autosomal dominant Alport syndrome. Last evaluated: 2018-05-03. Review status: criteria provided, single submitter. Criteria: ACMG Guidelines, 2015. Collection method: clinical testing. Allele origin: maternal. Affected: yes. Observed: 1 variant allele.
Comment: The NM_000092.5(COL4A4):c.1396G>A (p.Gly466Arg) is a missense variant located in a Gly-X-Y repeat of the collagenous domain of COL4A4. This variant is reported to have an extremely low frequency in the gnomAD v3.1.2 (GRCh38) population database (PM2). Computational tools, including SIFT and PolyPhen, predict this variant to have a deleterious effect on the protein product (PP3). In summary, this variant meets criteria to be classified as Uncertain Significance based on the ACMG/AMP 2015 criteria applied: PM2, PP3, PP4.

Athena Diagnostics
Classification: Pathogenic. Last evaluated: 2016-08-31. Review status: criteria provided, single submitter. Criteria: Athena Diagnostics Criteria. Collection method: clinical testing. Allele origin: germline.

Clinical Genetics Service, Universitary Hospital 12 de Octubre
Classification: Likely pathogenic for Hematuria, benign familial, 1. Review status: criteria provided, single submitter. Criteria: ACMG Guidelines, 2015. Collection method: clinical testing. Allele origin: germline. Affected: yes.

Juno Genomics, Hangzhou Juno Genomics, Inc
Classification: Likely pathogenic for Hematuria, benign familial, 1; Autosomal recessive Alport syndrome. Review status: criteria provided, single submitter. Criteria: ACMG Guidelines, 2015. Collection method: clinical testing. Allele origin: germline. Affected: yes.
Comment: Absent from controls (or at extremely low frequency if recessive) in Genome Aggregation Database, Exome Sequencing Project, 1000 Genomes Project, or Exome Aggregation Consortium.;Multiple lines of computational evidence support a deleterious effect on the gene or gene product (conservation, evolutionary, splicing impact, etc).;The prevalence of the variant in affected individuals is significantly increased compared to the prevalence in controls.;Patient's phenotype or family history is highly specific for a disease with a single genetic etiology.;Located in a mutational hot spot and/or critical and well-established functional domain (e.g. active site of an enzyme) without benign variation.

Counsyl
Classification: Uncertain significance for Autosomal recessive Alport syndrome. Last evaluated: 2019-01-24. Review status: no assertion criteria provided. Collection method: clinical testing. Allele origin: unknown. Not counted in ClinVar's aggregate classification.

Literature cited by the submitters: PubMed 26809805 (cited by 6 submitters); PubMed 29801666 (cited by 3 submitters); PubMed 36938085 (cited by Labcorp Genetics (formerly Invitae), Labcorp); PubMed 38978054 (cited by Labcorp Genetics (formerly Invitae), Labcorp and Natera, Inc.); PubMed 36130833 (cited by Natera, Inc.); PubMed 40004525 (cited by Natera, Inc.); PubMed 33838161 (cited by Natera, Inc.); PubMed 39810285 (cited by Natera, Inc.); PubMed 24046192 (cited by Victorian Clinical Genetics Services, Murdoch Childrens Research Institute); PubMed 16467446 (cited by Victorian Clinical Genetics Services, Murdoch Childrens Research Institute); PubMed 12028435 (cited by Victorian Clinical Genetics Services, Murdoch Childrens Research Institute); PubMed 28704582 (cited by Victorian Clinical Genetics Services, Murdoch Childrens Research Institute).

NM_000092.5(COL4A4):c.1396G>A (p.Gly466Arg)

Gene: COL4A4 (collagen type IV alpha 4 chain; minus strand). Cytogenetic location: 2q36.3.
Variant type: single nucleotide variant.
Coding change: c.1396G>A on transcript NM_000092.5 (MANE Select); coding-DNA position 1396, G replaced by A.
Protein change: p.Gly466Arg; replaces glycine 466 with arginine.
Molecular consequence: missense variant.
Genome position (GRCh38, 1-based): chr2:227,089,931, C>T on the plus strand (G>A on the coding strand, the complement: COL4A4 is on the minus strand). VCF-style: chr2-227089931-C-T. GRCh37 (hg19) VCF-style: chr2-227954647-C-T.
Other names: short protein forms G466R.
Identifiers: ClinVar variation 447180 (VCV000447180.24), dbSNP rs201859109, ClinGen allele CA2145175.